The following is an entry in ClinVar:

NM_032892.5(FRMD5):c.547C>A (p.Leu183Met)

Gene: FRMD5 (FERM domain containing 5; minus strand). Cytogenetic location: 15q15.3.
Variant type: single nucleotide variant.
Coding change: c.547C>A on transcript NM_032892.5 (MANE Select); coding-DNA position 547, C replaced by A.
Protein change: p.Leu183Met; replaces leucine 183 with methionine.
Molecular consequence: missense variant. On other transcripts: 5 prime UTR variant (1), non-coding transcript variant (1).
Genome position (GRCh38, 1-based): chr15:43,905,832, G>T on the plus strand (C>A on the coding strand, the complement: FRMD5 is on the minus strand). VCF-style: chr15-43905832-G-T. GRCh37 (hg19) VCF-style: chr15-44198030-G-T.
Other names: c.280C>A, p.Leu94Met (NM_001286490.2); c.-67C>A (NM_001286491.2); c.547C>A, p.Leu183Met (NM_001322949.2, NM_001322950.2, NM_001411124.1); c.442C>A, p.Leu148Met (NM_001322951.2); short protein forms L148M, L183M, L94M.
Identifiers: ClinVar variation 3381705 (VCV003381705.2).

ClinVar aggregate classification (germline): Uncertain significance (1 of 4 stars; one submission).

Submission:

GeneDx
Classification: Uncertain significance. Last evaluated: 2025-08-06. Review status: criteria provided, single submitter. Criteria: GeneDx Variant Classification Process June 2021. Collection method: clinical testing. Allele origin: germline.
Comment: See Variant Classification Assertion Criteria.